The following is an entry in ClinVar:

NM_000057.4(BLM):c.568A>G (p.Lys190Glu)

Gene: BLM (BLM RecQ like helicase; plus strand). Cytogenetic location: 15q26.1.
Variant type: single nucleotide variant.
Coding change: c.568A>G on transcript NM_000057.4 (MANE Select); coding-DNA position 568, A replaced by G.
Protein change: p.Lys190Glu; replaces lysine 190 with glutamic acid.
Molecular consequence: missense variant. On other transcripts: 5 prime UTR variant (1).
Genome position (GRCh38, 1-based): chr15:90,749,836, A>G. VCF-style: chr15-90749836-A-G. GRCh37 (hg19) VCF-style: chr15-91293066-A-G.
Other names: c.568A>G, p.Lys190Glu (NM_001287246.2, NM_001287247.2); c.-724A>G (NM_001287248.2); short protein forms K190E.
Identifiers: ClinVar variation 1019188 (VCV001019188.9), dbSNP rs1895626152, ClinGen allele CA393841070.
Genomic context (GRCh38, chr15:90,749,836, plus strand): 5'-GTTACACCACCCCAAAGTCACTTTGTAAGAGTAAGCACTGCTCAGAAATCAAAAAAGGGT[A>G]AGAGAAACTTTTTTAAAGCACAGCTTTATACAACAAACACAGTAAAGACTGATTTGCCTC-3'
Protein context (NP_000048.1, residues 180-200): VSTAQKSKKG[Lys190Glu]RNFFKAQLYT

ClinVar aggregate classification (germline): Uncertain significance (1 of 4 stars; one submission).

Conditions:
Bloom syndrome (BLM). Also called: Bloom-Torre-Machacek syndrome. Identifiers: Orphanet 125, MedGen C0005859, MONDO:0008876, OMIM 210900.

Submission:

Labcorp Genetics (formerly Invitae), Labcorp
Classification: Uncertain significance for Bloom syndrome. Last evaluated: 2020-08-14. Review status: criteria provided, single submitter. Criteria: Invitae Variant Classification Sherloc (09022015). Collection method: clinical testing. Allele origin: germline.
Comment: In summary, the available evidence is currently insufficient to determine the role of this variant in disease. Therefore, it has been classified as a Variant of Uncertain Significance. Algorithms developed to predict the effect of missense changes on protein structure and function (SIFT, PolyPhen-2, Align-GVGD) all suggest that this variant is likely to be tolerated, but these predictions have not been confirmed by published functional studies and their clinical significance is uncertain. This variant has not been reported in the literature in individuals with BLM-related conditions. This variant is not present in population databases (ExAC no frequency). This sequence change replaces lysine with glutamic acid at codon 190 of the BLM protein (p.Lys190Glu). The lysine residue is moderately conserved and there is a small physicochemical difference between lysine and glutamic acid.